The following is an entry in ClinVar:

NM_001903.5(CTNNA1):c.77A>C (p.Glu26Ala)

Gene: CTNNA1 (catenin alpha 1; plus strand). Cytogenetic location: 5q31.2.
Variant type: single nucleotide variant.
Coding change: c.77A>C on transcript NM_001903.5 (MANE Select); coding-DNA position 77, A replaced by C.
Protein change: p.Glu26Ala; replaces glutamic acid 26 with alanine.
Molecular consequence: missense variant. On other transcripts: 5 prime UTR variant (2).
Genome position (GRCh38, 1-based): chr5:138,782,001, A>C. VCF-style: chr5-138782001-A-C. GRCh37 (hg19) VCF-style: chr5-138117690-A-C.
Other names: c.77A>C, p.Glu26Ala (NM_001290307.3, NM_001323982.2, NM_001323983.1 and 3 more transcripts); c.-37A>C (NM_001290309.3); c.-130A>C (NM_001290310.3); short protein forms E26A.
Identifiers: ClinVar variation 4743929 (VCV004743929.1).
Genomic context (GRCh38, chr5:138,782,001, plus strand): 5'-CAGGCAACATAAACTTCAAGTGGGATCCTAAAAGTCTAGAGATCAGGACTCTGGCAGTTG[A>C]GAGACTGTTGGAGCCTCTTGTTACACAGGTAAGAATCTGAAAACACAAATACATTGTAAC-3'
Protein context (NP_001894.2, residues 16-36): KSLEIRTLAV[Glu26Ala]RLLEPLVTQV

ClinVar aggregate classification (germline): Uncertain significance (1 of 4 stars; one submission).

Submission:

Labcorp Genetics (formerly Invitae), Labcorp
Classification: Uncertain significance. Last evaluated: 2025-08-15. Review status: criteria provided, single submitter. Criteria: Invitae Variant Classification Sherloc (09022015). Collection method: clinical testing. Allele origin: germline.
Comment: This sequence change replaces glutamic acid, which is acidic and polar, with alanine, which is neutral and non-polar, at codon 26 of the CTNNA1 protein (p.Glu26Ala). This variant is not present in population databases (gnomAD no frequency). This variant has not been reported in the literature in individuals affected with CTNNA1-related conditions. Invitae Evidence Modeling of protein sequence and biophysical properties (such as structural, functional, and spatial information, amino acid conservation, physicochemical variation, residue mobility, and thermodynamic stability) indicates that this missense variant is expected to disrupt CTNNA1 protein function with a positive predictive value of 80%. In summary, the available evidence is currently insufficient to determine the role of this variant in disease. Therefore, it has been classified as a Variant of Uncertain Significance.